The following is an entry in ClinVar:

NM_015978.3(TNNI3K):c.2374G>C (p.Gly792Arg)

Genes: FPGT-TNNI3K (FPGT-TNNI3K readthrough; plus strand), TNNI3K (TNNI3 interacting kinase; plus strand). Cytogenetic location: 1p31.1.
Variant type: single nucleotide variant.
Coding change: c.2374G>C on transcript NM_015978.3 (MANE Select); coding-DNA position 2374, G replaced by C.
Protein change: p.Gly792Arg; replaces glycine 792 with arginine.
Molecular consequence: missense variant.
Genome position (GRCh38, 1-based): chr1:74,540,256, G>C. VCF-style: chr1-74540256-G-C. GRCh37 (hg19) VCF-style: chr1-75005940-G-C.
Other names: c.2677G>C, p.Gly893Arg (NM_001112808.3); short protein forms G792R, G893R.
Identifiers: ClinVar variation 1414551 (VCV001414551.6), dbSNP rs1646710423, ClinGen allele CA340799150.

ClinVar aggregate classification (germline): Uncertain significance (1 of 4 stars; one submission).

Allele frequency attached by ClinVar (database versions not stated): gnomAD 0.00001.
gnomAD v4.1: 2 of 1,612,152 alleles (0.00012%); highest among the groups gnomAD compares: Non-Finnish European, 0.00017%; no homozygotes.

Submission:

Labcorp Genetics (formerly Invitae), Labcorp
Classification: Uncertain significance. Last evaluated: 2023-06-25. Review status: criteria provided, single submitter. Criteria: Invitae Variant Classification Sherloc (09022015). Collection method: clinical testing. Allele origin: germline.
Comment: This variant is not present in population databases (gnomAD no frequency). This sequence change replaces glycine, which is neutral and non-polar, with arginine, which is basic and polar, at codon 792 of the TNNI3K protein (p.Gly792Arg). This variant has not been reported in the literature in individuals affected with TNNI3K-related conditions. In summary, the available evidence is currently insufficient to determine the role of this variant in disease. Therefore, it has been classified as a Variant of Uncertain Significance. An algorithm developed to predict the effect of missense changes on protein structure and function (PolyPhen-2) suggests that this variant is likely to be disruptive. ClinVar contains an entry for this variant (Variation ID: 1414551).